The following is an entry in ClinVar:

NM_007294.4(BRCA1):c.441+1416C>T

Gene: BRCA1 (BRCA1 DNA repair associated; minus strand). Cytogenetic location: 17q21.31.
Variant type: single nucleotide variant.
Coding change: c.441+1416C>T on transcript NM_007294.4 (MANE Select); 1416 bases into the intron after coding-DNA position 441, C replaced by T.
Molecular consequence: intron variant.
Genome position (GRCh38, 1-based): chr17:43,102,706, G>A on the plus strand (C>T on the coding strand, the complement: BRCA1 is on the minus strand). VCF-style: chr17-43102706-G-A. GRCh37 (hg19) VCF-style: chr17-41254723-G-A.
Other names: IVS 7+1416C>T; c.300+1416C>T (NM_001407942.1, NM_001407694.1, NM_001408465.1 and 99 more transcripts); c.231+1416C>T (NM_001408482.1, NM_001407954.1, NM_001407896.1 and 58 more transcripts); c.441+1416C>T (NM_001408422.1, NM_001408450.1, NM_001408434.1 and 164 more transcripts); c.363+1416C>T (NM_001407874.1, NM_001408416.1, NM_001408414.1 and 21 more transcripts); c.-218-7846C>T (NM_001407967.1, NM_001407966.1); c.60+1416C>T (NM_001407959.1, NM_001407962.1, NM_001408512.1 and 4 more transcripts); c.309+1416C>T (NM_001408451.1); and 1 more.
Identifiers: ClinVar variation 209480 (VCV000209480.2), dbSNP rs34765977, ClinGen allele CA276450.

ClinVar aggregate classification (germline): Benign (3 of 4 stars; one submission).

Conditions:
Breast-ovarian cancer, familial, susceptibility to, 1 (BROVCA1). Also called: BRCA1 Hereditary Breast and Ovarian Cancer; OVARIAN CANCER, SUSCEPTIBILITY TO. Identifiers: Orphanet 145, MedGen C2676676, MONDO:0011450, OMIM 604370. Disease mechanism: loss of function.

Allele frequency attached by ClinVar (database versions not stated): 1000 Genomes Project 0.00419; 1000 Genomes Project 30x 0.00422; TOPMed 0.00952; gnomAD 0.00984 and 0.01015.
gnomAD v4.1: 1,466 of 150,814 alleles (0.97%); highest among the groups gnomAD compares: Non-Finnish European, 1.6%; 13 homozygotes.

Submission:

Evidence-based Network for the Interpretation of Germline Mutant Alleles (ENIGMA)
Classification: Benign for Breast-ovarian cancer, familial 1. Last evaluated: 2015-01-12. Review status: reviewed by expert panel. Criteria: ENIGMA BRCA1/2 Classification Criteria (2015). Collection method: curation. Allele origin: germline.
Comment: Class 1 not pathogenic based on frequency >1% in an outbred sampleset. Frequency 0.01187 (European), derived from 1000 genomes (2012-04-30).